The following is an entry in ClinVar:

NM_000062.3(SERPING1):c.516del (p.Phe172fs)

Gene: SERPING1 (serpin family G member 1; plus strand). Cytogenetic location: 11q12.1.
Variant type: Deletion.
Coding change: c.516del on transcript NM_000062.3 (MANE Select); coding-DNA position 516, one base deleted (C; older notation c.516delC).
Protein change: p.Phe172fs; shifts the reading frame from phenylalanine 172.
Molecular consequence: frameshift variant.
Genome position (GRCh38, 1-based): chr11:57,600,343, C deleted. VCF-style (leftmost placement, unchanged base first): chr11-57600342-TC-T. GRCh37 (hg19) VCF-style: chr11-57367815-TC-T.
Other names: c.516del, p.Phe172fs (NM_001032295.2); c.516delC (NM_000062.3); short protein forms F172fs.
Identifiers: ClinVar variation 3336718 (VCV003336718.2).

ClinVar aggregate classification (germline): Pathogenic (1 of 4 stars; one submission).

Conditions:
Hereditary angioedema type 1 (HAE1). Identifiers: Orphanet 100050, Orphanet 100051, Orphanet 91378, MedGen C2717906, MONDO:0015053, OMIM 106100.

Submission:

DNA-diagnostics Laboratory, Research Centre For Medical Genetics
Classification: Pathogenic for Hereditary angioedema type 1. Last evaluated: 2024-08-09. Review status: criteria provided, single submitter. Criteria: ACMG Guidelines, 2015. Collection method: research. Allele origin: germline. Inheritance: Autosomal dominant inheritance. Affected: yes. Observed: 1 heterozygote.
Comment: The pathogenic or likely pathogenic SERPING1 gene variants are detected in >90% of the HAE1/2 families and in >80% of the total HAE families (e.g., DOI: 10.1016/j.molimm.2008.05.007, 10.1159/2F000138883, 10.1016/j.molimm.2011.07.010). Across all SERPING1 gene exons, about 50% of the pathogenic or likely pathogenic variants associated with HAE are LoF (173/297 in ClinVar or 292/596 in HGMD 2022.1). The c.516delC variant in SERPING1 is localized in exon 3 from total of eight gene exons assembling biologically-relevant transcripts, and it is predicted to result in the p.Phe172Leufs*39 frameshift and NMD. Additionally more than 3 LoF variants of the exon 3 SERPING1 gene are pathogenic without the PVS1 criterion: for example, such variants as c.346C>T (p.Gln116*, DOI: 10.1067/mai.2000.110471, 10.1371/journal.pone.0142174), c.120_121del (ClinVar ID: 3248624), c.550+5G>A (ClinVar ID: 3248617) and c.550G>A (p.Gly184Arg, ClinVar ID: 68253). This variant has not been reported in a large population database. In summary, the c.516delC variant in SERPING1 meets ACMG/ClinGen SVI guidance criteria to be classified as pathogenic: PVS1, PP4_Mod, PM2_Sup

Literature cited by the submitters: DOI 10.1016/j.molimm.2008.05.007; DOI 10.1159/2F000138883; DOI 10.1016/j.molimm.2011.07.010; DOI 10.1067/mai.2000.110471; DOI 10.1371/journal.pone.0142174.